The following is an entry in ClinVar:

NM_001080449.3(DNA2):c.2268T>A (p.Phe756Leu)

Gene: DNA2 (DNA replication helicase/nuclease 2; minus strand). Cytogenetic location: 10q21.3.
Variant type: single nucleotide variant.
Coding change: c.2268T>A on transcript NM_001080449.3 (MANE Select); coding-DNA position 2268, T replaced by A.
Protein change: p.Phe756Leu; replaces phenylalanine 756 with leucine.
Molecular consequence: missense variant. On other transcripts: non-coding transcript variant (1).
Genome position (GRCh38, 1-based): chr10:68,422,831, A>T on the plus strand (T>A on the coding strand, the complement: DNA2 is on the minus strand). VCF-style: chr10-68422831-A-T. GRCh37 (hg19) VCF-style: chr10-70182588-A-T.
Other names: short protein forms F756L.
Identifiers: ClinVar variation 4690329 (VCV004690329.1).

ClinVar aggregate classification (germline): Uncertain significance (1 of 4 stars; one submission).

gnomAD v4.1: 1 of 1,608,406 alleles (0.000062%); highest among the groups gnomAD compares: Non-Finnish European, 0.000085%; no homozygotes.

Submission:

Labcorp Genetics (formerly Invitae), Labcorp
Classification: Uncertain significance. Last evaluated: 2025-02-12. Review status: criteria provided, single submitter. Criteria: Invitae Variant Classification Sherloc (09022015). Collection method: clinical testing. Allele origin: germline.
Comment: This sequence change replaces phenylalanine, which is neutral and non-polar, with leucine, which is neutral and non-polar, at codon 756 of the DNA2 protein (p.Phe756Leu). This variant is present in population databases (rs755503672, gnomAD 0.0009%). This variant has not been reported in the literature in individuals affected with DNA2-related conditions. Invitae Evidence Modeling of protein sequence and biophysical properties (such as structural, functional, and spatial information, amino acid conservation, physicochemical variation, residue mobility, and thermodynamic stability) indicates that this missense variant is expected to disrupt DNA2 protein function with a positive predictive value of 80%. In summary, the available evidence is currently insufficient to determine the role of this variant in disease. Therefore, it has been classified as a Variant of Uncertain Significance.